The following is an entry in ClinVar:

ClinVar aggregate classification (germline): Pathogenic (1 of 4 stars; one submission).

Conditions:
Hereditary cancer-predisposing syndrome. Also called: Tumor predisposition; Neoplastic Syndromes, Hereditary; Hereditary Cancer Syndrome; Hereditary neoplastic syndrome. Identifiers: Orphanet 140162, MedGen C0027672, MeSH D009386, MONDO:0015356.

Submission:

Labcorp Genetics (formerly Invitae), Labcorp
Classification: Pathogenic for Hereditary cancer-predisposing syndrome. Last evaluated: 2022-06-26. Review status: criteria provided, single submitter. Criteria: Invitae Variant Classification Sherloc (09022015). Collection method: clinical testing. Allele origin: germline.
Comment: This sequence change creates a premature translational stop signal (p.Lys982delinsAsn*) in the RAD50 gene. It is expected to result in an absent or disrupted protein product. Loss-of-function variants in RAD50 are known to be pathogenic (PMID: 19409520). This variant is not present in population databases (gnomAD no frequency). This variant has not been reported in the literature in individuals affected with RAD50-related conditions. For these reasons, this variant has been classified as Pathogenic.

Literature cited by the submitters: PubMed 19409520.

NM_005732.4(RAD50):c.2945_2946insTTA (p.Lys982delinsAsnTer)

Gene: RAD50 (RAD50 double strand break repair protein; plus strand). Cytogenetic location: 5q31.1.
Variant type: Insertion.
Coding change: c.2945_2946insTTA on transcript NM_005732.4 (MANE Select); coding-DNA positions 2945 to 2946, TTA inserted.
Protein change: p.Lys982delinsAsnTer.
Molecular consequence: nonsense.
Genome position: GRCh38 VCF-style: chr5-132609304-A-AATT. GRCh37 (hg19) VCF-style: chr5-131944996-A-AATT.
Identifiers: ClinVar variation 2011245 (VCV002011245.4), dbSNP rs2479371568, ClinGen allele CA2580072712.